The following is an entry in ClinVar:

NM_001101426.4(CRPPA):c.1198G>T (p.Glu400Ter)

Genes: CRPPA (CDP-L-ribitol pyrophosphorylase A; minus strand), CRPPA-AS1 (CRPPA antisense RNA 1; plus strand). Cytogenetic location: 7p21.2.
Variant type: single nucleotide variant.
Coding change: c.1198G>T on transcript NM_001101426.4 (MANE Select); coding-DNA position 1198, G replaced by T.
Protein change: p.Glu400Ter; replaces glutamic acid 400 with a stop codon.
Molecular consequence: nonsense. On other transcripts: non-coding transcript variant (1).
Genome position (GRCh38, 1-based): chr7:16,216,119, C>A on the plus strand (G>T on the coding strand, the complement: CRPPA is on the minus strand). VCF-style: chr7-16216119-C-A. GRCh37 (hg19) VCF-style: chr7-16255744-C-A.
Other names: c.1048G>T, p.Glu350Ter (NM_001101417.4); c.1093G>T, p.Glu365Ter (NM_001368197.1); short protein forms E365*, E400*, E350*.
Identifiers: ClinVar variation 960841 (VCV000960841.8), dbSNP rs1453431411, ClinGen allele CA367001017.

ClinVar aggregate classification (germline): Pathogenic (1 of 4 stars; one submission).

Conditions:
Autosomal recessive limb-girdle muscular dystrophy type 2U. Also called: Muscular dystrophy-dystroglycanopathy (limb-girdle), type c, 7; MUSCULAR DYSTROPHY, LIMB-GIRDLE, TYPE 2U. Identifiers: Orphanet 352479, MedGen C5190987, MONDO:0014474, OMIM 616052.
Muscular dystrophy-dystroglycanopathy (congenital with brain and eye anomalies), type A, 7. Also called: Congenital muscular dystrophy-dystroglycanopathy with brain and eye anomalies, type A7; WALKER-WARBURG SYNDROME OR MUSCLE-EYE-BRAIN DISEASE, ISPD-RELATED. Identifiers: Orphanet 899, MedGen C3553330, MONDO:0013835, OMIM 614643.

Submission:

Labcorp Genetics (formerly Invitae), Labcorp
Classification: Pathogenic for Muscular dystrophy-dystroglycanopathy (congenital with brain and eye anomalies), type A, 7; Autosomal recessive limb-girdle muscular dystrophy type 2U. Last evaluated: 2022-06-04. Review status: criteria provided, single submitter. Criteria: Invitae Variant Classification Sherloc (09022015). Collection method: clinical testing. Allele origin: germline.
Comment: Algorithms developed to predict the effect of sequence changes on RNA splicing suggest that this variant may disrupt the consensus splice site. This sequence change creates a premature translational stop signal (p.Glu400*) in the ISPD gene. It is expected to result in an absent or disrupted protein product. Loss-of-function variants in ISPD are known to be pathogenic (PMID: 23288328). This variant is not present in population databases (gnomAD no frequency). This variant has not been reported in the literature in individuals affected with ISPD-related conditions. ClinVar contains an entry for this variant (Variation ID: 960841). For these reasons, this variant has been classified as Pathogenic.

Literature cited by the submitters: PubMed 23288328.